The following is an entry in ClinVar:

NM_145207.3(AFG2A):c.124A>G (p.Thr42Ala)

Gene: AFG2A (AAA ATPase AFG2A; plus strand). Cytogenetic location: 4q28.1.
Variant type: single nucleotide variant.
Coding change: c.124A>G on transcript NM_145207.3 (MANE Select); coding-DNA position 124, A replaced by G.
Protein change: p.Thr42Ala; replaces threonine 42 with alanine.
Molecular consequence: missense variant.
Genome position (GRCh38, 1-based): chr4:122,923,266, A>G. VCF-style: chr4-122923266-A-G. GRCh37 (hg19) VCF-style: chr4-123844421-A-G.
Other names: c.124A>G, p.Thr42Ala (NM_001317799.2, NM_001345856.2); short protein forms T42A.
Identifiers: ClinVar variation 862604 (VCV000862604.7), dbSNP rs367922082, ClinGen allele CA3070132.

ClinVar aggregate classification (germline): Conflicting classifications of pathogenicity. Review status: criteria provided, conflicting classifications (1 of 4 stars). 2 submissions from 2 submitters: Uncertain significance (1); Likely benign (1). Last evaluated 2024-06-16.

Conditions:
Microcephaly-intellectual disability-sensorineural hearing loss-epilepsy-abnormal muscle tone syndrome (NEDHSB). Also called: NEURODEVELOPMENTAL DISORDER WITH HEARING LOSS, SEIZURES, AND BRAIN ABNORMALITIES. Identifiers: Orphanet 457351, MedGen C4225276, MONDO:0014698, OMIM 616577.
Inborn genetic diseases. Identifiers: MedGen C0950123, MeSH D030342.

Allele frequency attached by ClinVar (database versions not stated): gnomAD 0.00001; gnomAD exomes 0.00001 and 0.00006; TOPMed 0.00001; ExAC 0.00002; ESP Exome Variant Server 0.00008.
gnomAD v4.1: 84 of 1,613,858 alleles (0.0052%); highest among the groups gnomAD compares: Non-Finnish European, 0.0069%; no homozygotes.

Submissions (2):

Ambry Genetics
Classification: Likely benign for Inborn genetic diseases. Last evaluated: 2024-06-16. Review status: criteria provided, single submitter. Criteria: Ambry Variant Classification Scheme 2023. Collection method: clinical testing. Allele origin: germline.

Labcorp Genetics (formerly Invitae), Labcorp
Classification: Uncertain significance for Microcephaly-intellectual disability-sensorineural hearing loss-epilepsy-abnormal muscle tone syndrome. Last evaluated: 2022-03-19. Review status: criteria provided, single submitter. Criteria: Invitae Variant Classification Sherloc (09022015). Collection method: clinical testing. Allele origin: germline.
Comment: This sequence change replaces threonine, which is neutral and polar, with alanine, which is neutral and non-polar, at codon 42 of the SPATA5 protein (p.Thr42Ala). This variant is present in population databases (rs367922082, gnomAD 0.003%). This variant has not been reported in the literature in individuals affected with SPATA5-related conditions. ClinVar contains an entry for this variant (Variation ID: 862604). Advanced modeling of protein sequence and biophysical properties (such as structural, functional, and spatial information, amino acid conservation, physicochemical variation, residue mobility, and thermodynamic stability) performed at Invitae indicates that this missense variant is not expected to disrupt SPATA5 protein function. In summary, the available evidence is currently insufficient to determine the role of this variant in disease. Therefore, it has been classified as a Variant of Uncertain Significance.